The following is an entry in ClinVar:

ClinVar aggregate classification (germline): Uncertain significance. Review status: criteria provided, multiple submitters, no conflicts (2 of 4 stars). 3 submissions from 3 submitters: Uncertain significance (3). Last evaluated 2024-11-19.

Conditions:
Inborn genetic diseases. Identifiers: MedGen C0950123, MeSH D030342.
Jeune thoracic dystrophy. Also called: Short-rib thoracic dysplasia; Jeune syndrome; Infantile thoracic dystrophy; Thoracic pelvic phalangeal dystrophy; Jeune's syndrome; Chondroectodermal dysplasia-like syndrome. Identifiers: Orphanet 474, MedGen C0265275, MONDO:0018770.
Nephronophthisis. Also called: Juvenile Nephronophthisis. Identifiers: Orphanet 655, MedGen C0687120, MONDO:0019005, HP:0000090.
Asphyxiating thoracic dystrophy 4 (SRTD4). Also called: SHORT-RIB THORACIC DYSPLASIA 4; SHORT-RIB THORACIC DYSPLASIA 4 WITH OR WITHOUT POLYDACTYLY. Identifiers: Orphanet 474, MedGen C3151185, MONDO:0013441, OMIM 613819.
Nephronophthisis 12 (NPHP12). Identifiers: Orphanet 655, MedGen C3151186, MONDO:0013442, OMIM 613820.

gnomAD v4.1: 1 of 1,613,564 alleles (0.000062%); highest among the groups gnomAD compares: African/African-American, 0.0013%; no homozygotes.

Submissions (3):

Ambry Genetics
Classification: Uncertain significance for Inborn genetic diseases. Last evaluated: 2024-11-19. Review status: criteria provided, single submitter. Criteria: Ambry Variant Classification Scheme 2023. Collection method: clinical testing. Allele origin: germline.

Fulgent Genetics
Classification: Uncertain significance for Asphyxiating thoracic dystrophy 4; Nephronophthisis 12. Last evaluated: 2021-12-15. Review status: criteria provided, single submitter. Criteria: ACMG Guidelines, 2015. Collection method: clinical testing. Allele origin: unknown.

Labcorp Genetics (formerly Invitae), Labcorp
Classification: Uncertain significance for Jeune thoracic dystrophy; Nephronophthisis. Last evaluated: 2021-08-05. Review status: criteria provided, single submitter. Criteria: Invitae Variant Classification Sherloc (09022015). Collection method: clinical testing. Allele origin: germline.
Comment: In summary, the available evidence is currently insufficient to determine the role of this variant in disease. Therefore, it has been classified as a Variant of Uncertain Significance. Algorithms developed to predict the effect of missense changes on protein structure and function are either unavailable or do not agree on the potential impact of this missense change (SIFT: "Deleterious"; PolyPhen-2: "Benign"; Align-GVGD: "Class C0"). This variant has not been reported in the literature in individuals affected with TTC21B-related conditions. This variant is not present in population databases (ExAC no frequency). This sequence change replaces phenylalanine with leucine at codon 288 of the TTC21B protein (p.Phe288Leu). The phenylalanine residue is moderately conserved and there is a small physicochemical difference between phenylalanine and leucine.

NM_024753.5(TTC21B):c.864C>A (p.Phe288Leu)

Gene: TTC21B (tetratricopeptide repeat domain 21B; minus strand). Cytogenetic location: 2q24.3.
Variant type: single nucleotide variant.
Coding change: c.864C>A on transcript NM_024753.5 (MANE Select); coding-DNA position 864, C replaced by A.
Protein change: p.Phe288Leu; replaces phenylalanine 288 with leucine.
Molecular consequence: missense variant.
Genome position (GRCh38, 1-based): chr2:165,931,788, G>T on the plus strand (C>A on the coding strand, the complement: TTC21B is on the minus strand). VCF-style: chr2-165931788-G-T. GRCh37 (hg19) VCF-style: chr2-166788298-G-T.
Other names: c.864C>A (NM_024753.3); short protein forms F288L.
Identifiers: ClinVar variation 1438089 (VCV001438089.6), dbSNP rs776784928, ClinGen allele CA59758165.